The following is an entry in ClinVar:

NM_001556.3(IKBKB):c.1849G>A (p.Val617Ile)

Gene: IKBKB (inhibitor of nuclear factor kappa B kinase subunit beta; plus strand). Cytogenetic location: 8p11.21.
Variant type: single nucleotide variant.
Coding change: c.1849G>A on transcript NM_001556.3 (MANE Select); coding-DNA position 1849, G replaced by A.
Protein change: p.Val617Ile; replaces valine 617 with isoleucine.
Molecular consequence: missense variant. On other transcripts: non-coding transcript variant (3).
Genome position (GRCh38, 1-based): chr8:42,322,357, G>A. VCF-style: chr8-42322357-G-A. GRCh37 (hg19) VCF-style: chr8-42179875-G-A.
Other names: c.1657G>A, p.Val553Ile (NM_001190720.3); c.1672G>A, p.Val558Ile (NM_001242778.2); short protein forms V553I, V558I, V617I.
Identifiers: ClinVar variation 2838747 (VCV002838747.3), dbSNP rs1156870690, ClinGen allele CA371092709.

ClinVar aggregate classification (germline): Uncertain significance (1 of 4 stars; one submission).

Conditions:
Severe combined immunodeficiency due to IKK2 deficiency. Also called: Immunodeficiency 15; IMMUNODEFICIENCY 15B. Identifiers: Orphanet 397787, MedGen C4747743, MONDO:0014267, OMIM 615592.

Submission:

Labcorp Genetics (formerly Invitae), Labcorp
Classification: Uncertain significance for Severe combined immunodeficiency due to IKK2 deficiency. Last evaluated: 2022-11-09. Review status: criteria provided, single submitter. Criteria: Invitae Variant Classification Sherloc (09022015). Collection method: clinical testing. Allele origin: germline.
Comment: This sequence change replaces valine, which is neutral and non-polar, with isoleucine, which is neutral and non-polar, at codon 617 of the IKBKB protein (p.Val617Ile). This variant is not present in population databases (gnomAD no frequency). This variant has not been reported in the literature in individuals affected with IKBKB-related conditions. Advanced modeling of protein sequence and biophysical properties (such as structural, functional, and spatial information, amino acid conservation, physicochemical variation, residue mobility, and thermodynamic stability) performed at Invitae indicates that this missense variant is not expected to disrupt IKBKB protein function. In summary, the available evidence is currently insufficient to determine the role of this variant in disease. Therefore, it has been classified as a Variant of Uncertain Significance.